The following is an entry in ClinVar:

NM_017636.4(TRPM4):c.730G>C (p.Gly244Arg)

Gene: TRPM4 (transient receptor potential cation channel subfamily M member 4; plus strand). Cytogenetic location: 19q13.33.
Variant type: single nucleotide variant.
Coding change: c.730G>C on transcript NM_017636.4 (MANE Select); coding-DNA position 730, G replaced by C.
Protein change: p.Gly244Arg; replaces glycine 244 with arginine.
Molecular consequence: missense variant. On other transcripts: 5 prime UTR variant (2).
Genome position (GRCh38, 1-based): chr19:49,168,670, G>C. VCF-style: chr19-49168670-G-C. GRCh37 (hg19) VCF-style: chr19-49671927-G-C.
Other names: c.730G>C, p.Gly244Arg (NM_001195227.2); c.385G>C, p.Gly129Arg (NM_001321281.2); c.-824G>C (NM_001321282.2); c.208G>C, p.Gly70Arg (NM_001321283.2); c.-120G>C (NM_001321285.2); short protein forms G70R, G244R, G129R.
Identifiers: ClinVar variation 2533785 (VCV002533785.5), dbSNP rs1293538807, ClinGen allele CA406792677.

ClinVar aggregate classification (germline): Uncertain significance. Review status: criteria provided, multiple submitters, no conflicts (2 of 4 stars). 2 submissions from 2 submitters: Uncertain significance (2). Last evaluated 2026-04-29.

Conditions:
Cardiovascular phenotype. Identifiers: MedGen CN230736.

Submissions (2):

GeneDx
Classification: Uncertain significance. Last evaluated: 2026-04-29. Review status: criteria provided, single submitter. Criteria: GeneDx Variant Classification Process June 2021. Collection method: clinical testing. Allele origin: germline.
Comment: Not observed at significant frequency in large population cohorts (gnomAD); In silico analysis supports that this missense variant has a deleterious effect on protein structure/function; Has not been previously published as pathogenic or benign to our knowledge

Ambry Genetics
Classification: Uncertain significance for Cardiovascular phenotype. Last evaluated: 2024-07-30. Review status: criteria provided, single submitter. Criteria: Ambry Variant Classification Scheme 2023. Collection method: clinical testing. Allele origin: germline.
Comment: The p.G244R variant (also known as c.730G>C), located in coding exon 6 of the TRPM4 gene, results from a G to C substitution at nucleotide position 730. The glycine at codon 244 is replaced by arginine, an amino acid with dissimilar properties. This amino acid position is conserved. In addition, the in silico prediction for this alteration is inconclusive. Based on the available evidence, the clinical significance of this variant remains unclear.